The following is an entry in ClinVar:

NM_001130987.2(DYSF):c.3889A>T (p.Arg1297Ter)

Gene: DYSF (dysferlin; plus strand). Cytogenetic location: 2p13.2.
Variant type: single nucleotide variant.
Coding change: c.3889A>T on transcript NM_001130987.2 (MANE Select); coding-DNA position 3889, A replaced by T.
Protein change: p.Arg1297Ter; replaces arginine 1297 with a stop codon.
Molecular consequence: nonsense.
Genome position (GRCh38, 1-based): chr2:71,600,834, A>T. VCF-style: chr2-71600834-A-T. GRCh37 (hg19) VCF-style: chr2-71827964-A-T.
Other names: c.3838A>T, p.Arg1280Ter (NM_001130455.2, NM_001130983.2); c.3793A>T, p.Arg1265Ter (NM_001130976.2, NM_001130977.2); c.3835A>T, p.Arg1279Ter (NM_001130978.2, NM_003494.4); c.3928A>T, p.Arg1310Ter (NM_001130979.2); c.3886A>T, p.Arg1296Ter (NM_001130980.2, NM_001130981.2); c.3931A>T, p.Arg1311Ter (NM_001130982.2); c.3796A>T, p.Arg1266Ter (NM_001130984.2, NM_001130986.2); c.3889A>T, p.Arg1297Ter (NM_001130985.2); short protein forms R1265*, R1266*, R1279*, R1280*, R1296*, R1297*, R1310*, R1311*.
Identifiers: ClinVar variation 5012858 (VCV005012858.1).

ClinVar aggregate classification (germline): Pathogenic (1 of 4 stars; one submission).

Conditions:
Autosomal recessive limb-girdle muscular dystrophy. Identifiers: Orphanet 102015, MedGen C2931907, MONDO:0015152.

Submission:

Myriad Genetics, Inc.
Classification: Pathogenic for Autosomal recessive limb-girdle muscular dystrophy. Last evaluated: 2024-03-23. Review status: criteria provided, single submitter. Criteria: Myriad Autosomal Dominant, Autosomal Recessive and X-Linked Classification Criteria (2023). Collection method: clinical testing. Allele origin: unknown.
Comment: NM_003494.3(DYSF):c.3835A>T(R1279*) is expected to be pathogenic in the context of dysferlinopathy. This variant is predicted to lead to an abnormal or absent protein product due to the creation of a premature termination codon in DYSF, a gene where loss-of-function variants are known to be pathogenic. Please note: this variant was assessed in the context of healthy population screening.